The following is an entry in ClinVar:

ClinVar aggregate classification (germline): Likely pathogenic (1 of 4 stars; one submission).

Submission:

Dasa
Classification: Likely pathogenic. Last evaluated: 2024-12-29. Review status: criteria provided, single submitter. Criteria: DASA Assertion Criteria. Collection method: clinical testing. Allele origin: germline.
Comment: NM_015386.3(COG4):c.871C>T (p.Gln291*) is a nonsense variant in COG4 predicted to introduce a premature termination codon and is predicted to result in an absent or altered protein product. Loss of function is an established disease mechanism for COG4-associated disorders. Also, this variant is absent from population databases. Based on the currently available evidence, this variant is classified as likely pathogenic.

NM_015386.3(COG4):c.871C>T (p.Gln291Ter)

Gene: COG4 (component of oligomeric golgi complex 4; minus strand). Cytogenetic location: 16q22.1.
Variant type: single nucleotide variant.
Coding change: c.871C>T on transcript NM_015386.3 (MANE Select); coding-DNA position 871, C replaced by T.
Protein change: p.Gln291Ter; replaces glutamine 291 with a stop codon.
Molecular consequence: nonsense. On other transcripts: non-coding transcript variant (1).
Genome position (GRCh38, 1-based): chr16:70,509,362, G>A on the plus strand (C>T on the coding strand, the complement: COG4 is on the minus strand). VCF-style: chr16-70509362-G-A. GRCh37 (hg19) VCF-style: chr16-70543265-G-A.
Other names: c.859C>T, p.Gln287Ter (NM_001195139.2); c.445C>T, p.Gln149Ter (NM_001365426.1); short protein forms Q149*, Q287*, Q291*.
Identifiers: ClinVar variation 4886390 (VCV004886390.2).